The following is an entry in ClinVar:

NM_004006.3(DMD):c.3311G>A (p.Ser1104Asn)

Gene: DMD (dystrophin; minus strand). Cytogenetic location: Xp21.1.
Variant type: single nucleotide variant.
Coding change: c.3311G>A on transcript NM_004006.3 (MANE Select); coding-DNA position 3311, G replaced by A.
Protein change: p.Ser1104Asn; replaces serine 1104 with asparagine.
Molecular consequence: missense variant.
Genome position (GRCh38, 1-based): chrX:32,463,560, C>T on the plus strand (G>A on the coding strand, the complement: DMD is on the minus strand). VCF-style: chrX-32463560-C-T. GRCh37 (hg19) VCF-style: chrX-32481677-C-T.
Other names: c.3287G>A, p.Ser1096Asn (NM_000109.4); c.3299G>A, p.Ser1100Asn (NM_004009.3); c.2942G>A, p.Ser981Asn (NM_004010.3); short protein forms S1100N, S1104N, S1096N, S981N.
Identifiers: ClinVar variation 1044473 (VCV001044473.6), dbSNP rs1009754942, ClinGen allele CA412664558.

ClinVar aggregate classification (germline): Uncertain significance. Review status: criteria provided, single submitter (1 of 4 stars). 2 submissions from 2 submitters: Uncertain significance (1). 1 of the submissions does not count toward it. Last evaluated 2021-12-11.

Conditions:
Cardiomyopathy (CMYO). Also called: Cardiomyopathies. Identifiers: Orphanet 167848, MedGen C0878544, MONDO:0004994, HP:0001638. Inheritance: Various modes of inheritance.
Dystrophin deficiency.
Duchenne muscular dystrophy (DMD). Also called: MUSCULAR DYSTROPHY, PSEUDOHYPERTROPHIC PROGRESSIVE, DUCHENNE TYPE; Duchenne Muscular Dystrophy (DMD). Identifiers: Orphanet 98896, MedGen C0013264, MONDO:0010679, OMIM 310200.
Becker muscular dystrophy (BMD). Also called: Becker Muscular Dystrophy (BMD); MUSCULAR DYSTROPHY, PSEUDOHYPERTROPHIC PROGRESSIVE, BECKER TYPE. Identifiers: Orphanet 98895, MedGen C0917713, MONDO:0010311, OMIM 300376.

gnomAD v4.1: 1 of 1,194,671 alleles (0.000084%); highest among the groups gnomAD compares: Admixed American, 0.0023%; no homozygotes.

Submissions (2):

Labcorp Genetics (formerly Invitae), Labcorp
Classification: Uncertain significance for Duchenne muscular dystrophy. Last evaluated: 2021-12-11. Review status: criteria provided, single submitter. Criteria: Invitae Variant Classification Sherloc (09022015). Collection method: clinical testing. Allele origin: germline.
Comment: This sequence change replaces serine, which is neutral and polar, with asparagine, which is neutral and polar, at codon 1104 of the DMD protein (p.Ser1104Asn). This variant is not present in population databases (gnomAD no frequency). This variant has not been reported in the literature in individuals affected with DMD-related conditions. ClinVar contains an entry for this variant (Variation ID: 1044473). Algorithms developed to predict the effect of missense changes on protein structure and function are either unavailable or do not agree on the potential impact of this missense change (SIFT: "Tolerated"; PolyPhen-2: "Probably Damaging"; Align-GVGD: "Class C0"). In summary, the available evidence is currently insufficient to determine the role of this variant in disease. Therefore, it has been classified as a Variant of Uncertain Significance.

Natera, Inc.
Classification: Uncertain significance for Becker muscular dystrophy; Cardiomyopathy; Duchenne muscular dystrophy; Dystrophin deficiency. Last evaluated: 2019-09-26. Review status: no assertion criteria provided. Collection method: clinical testing. Allele origin: germline. Not counted in ClinVar's aggregate classification.